The following is an entry in ClinVar:

ClinVar aggregate classification (germline): Pathogenic. Review status: criteria provided, multiple submitters, no conflicts (2 of 4 stars). 5 submissions from 5 submitters: Pathogenic (4). 1 of the submissions does not count toward it. Last evaluated 2024-09-28.

Conditions:
Hereditary cancer-predisposing syndrome. Also called: Hereditary Cancer Syndrome; Hereditary neoplastic syndrome; Neoplastic Syndromes, Hereditary; Tumor predisposition. Identifiers: Orphanet 140162, MedGen C0027672, MeSH D009386, MONDO:0015356.
Familial adenomatous polyposis 1 (FAP1). Also called: FAMILIAL ADENOMATOUS POLYPOSIS 1, ATTENUATED; POLYPOSIS, ADENOMATOUS INTESTINAL. Identifiers: MedGen C2713442, MONDO:0021056, OMIM 175100. Disease mechanism: loss of function.

Submissions (5):

Labcorp Genetics (formerly Invitae), Labcorp
Classification: Pathogenic for Familial adenomatous polyposis 1. Last evaluated: 2024-09-28. Review status: criteria provided, single submitter. Criteria: Invitae Variant Classification Sherloc (09022015). Collection method: clinical testing. Allele origin: germline.
Comment: This sequence change creates a premature translational stop signal (p.Ser1936Valfs*13) in the APC gene. While this is not anticipated to result in nonsense mediated decay, it is expected to disrupt the last 908 amino acid(s) of the APC protein. This variant is not present in population databases (gnomAD no frequency). This variant has not been reported in the literature in individuals affected with APC-related conditions. ClinVar contains an entry for this variant (Variation ID: 217997). This variant is expected to disrupt the EB1 and HDLG binding sites, which mediate interactions with the cytoskeleton (PMID: 15311282, 17293347). While functional studies have not been performed to directly test the effect on APC protein function, this suggests that disruption of the C-terminal portion of the protein is functionally important. A different truncation (p.Tyr2645Lysfs*14) that lies downstream of this variant has been determined to be pathogenic (PMID: 9824584, 1316610, 27081525, 8381579, 22135120, internal data). This suggests that deletion of this region of the APC protein is causative of disease. For these reasons, this variant has been classified as Pathogenic.

Ambry Genetics
Classification: Pathogenic for Hereditary cancer-predisposing syndrome. Last evaluated: 2023-12-13. Review status: criteria provided, single submitter. Criteria: Ambry Variant Classification Scheme 2023. Collection method: clinical testing. Allele origin: germline.
Comment: The c.5804dupA pathogenic mutation, located in coding exon 15 of the APC gene, results from a duplication of A at nucleotide position 5804, causing a translational frameshift with a predicted alternate stop codon (p.S1936Vfs*13). This alteration occurs at the 3' terminus of theAPC gene, is not expected to trigger nonsense-mediated mRNA decay, and only impacts the last 31% of the protein. However, premature stop codons are typically deleterious in nature and the impacted region is critical for protein function (Ambry internal data). This pathogenic variant has been detected in multiple families with a clinical diagnosis of familial adenomatous polyposis (FAP) (Ambry internal data). This variant is considered to be rare based on population cohorts in the Genome Aggregation Database (gnomAD). Based on the supporting evidence, this alteration is interpreted as a disease-causing mutation.

Myriad Genetics, Inc.
Classification: Pathogenic for Familial adenomatous polyposis 1. Last evaluated: 2023-05-15. Review status: criteria provided, single submitter. Criteria: Myriad Autosomal Dominant, Autosomal Recessive and X-Linked Classification Criteria (2023). Collection method: clinical testing. Allele origin: unknown.
Comment: This variant is considered pathogenic. This variant creates a frameshift predicted to result in premature protein truncation.

GeneDx
Classification: Pathogenic. Last evaluated: 2017-06-01. Review status: criteria provided, single submitter. Criteria: GeneDx Variant Classification (06012015). Collection method: clinical testing. Allele origin: germline. Affected: yes.
Comment: This duplication of one nucleotide in APC is denoted c.5804dupA at the cDNA level and p.Ser1936ValfsX13 (S1936VfsX13) at the protein level. The normal sequence, with the base that is duplicated in brackets, is TCCCC[dupA]GTCA. The duplication causes a frameshift which changes a Serine to a Valine at codon 1936, and creates a premature stop codon at position 13 of the new reading frame. Although this variant has not, to our knowledge, been reported in the literature, it is predicted to cause loss of normal protein function through protein truncation. We consider this variant to be pathogenic.

Mayo Clinic Laboratories, Mayo Clinic
Classification: Likely pathogenic. Review status: no assertion criteria provided. Collection method: research. Allele origin: unknown. Observed: 1 variant allele. Not counted in ClinVar's aggregate classification.

Literature cited by the submitters: PubMed 15311282 (cited by Labcorp Genetics (formerly Invitae), Labcorp); PubMed 17293347 (cited by Labcorp Genetics (formerly Invitae), Labcorp); PubMed 9824584 (cited by Labcorp Genetics (formerly Invitae), Labcorp); PubMed 1316610 (cited by Labcorp Genetics (formerly Invitae), Labcorp); PubMed 27081525 (cited by Labcorp Genetics (formerly Invitae), Labcorp); PubMed 8381579 (cited by Labcorp Genetics (formerly Invitae), Labcorp); PubMed 22135120 (cited by Labcorp Genetics (formerly Invitae), Labcorp).

NM_000038.6(APC):c.5804dup (p.Ser1936fs)

Gene: APC (APC regulator of Wnt signaling pathway; plus strand). Cytogenetic location: 5q22.2.
Variant type: Duplication.
Coding change: c.5804dup on transcript NM_000038.6 (MANE Select); coding-DNA position 5804, one base duplicated (A; older notation c.5804dupA).
Protein change: p.Ser1936fs; shifts the reading frame from serine 1936.
Molecular consequence: frameshift variant.
Genome position (GRCh38, 1-based): chr5:112,841,398, A duplicated. VCF-style (leftmost placement, unchanged base first): chr5-112841397-C-CA. GRCh37 (hg19) VCF-style: chr5-112177094-C-CA.
Other names: c.5804dup, p.Ser1936fs (NM_001127510.3, NM_001354895.2); c.5750dup, p.Ser1918fs (NM_001127511.3); c.5858dup, p.Ser1954fs (NM_001354896.2); c.5834dup, p.Ser1946fs (NM_001354897.2); c.5729dup, p.Ser1911fs (NM_001354898.2); c.5720dup, p.Ser1908fs (NM_001354899.2); c.5681dup, p.Ser1895fs (NM_001354900.2); c.5627dup, p.Ser1877fs (NM_001354901.2); and 6 more; short protein forms S1835fs, S1845fs, S1877fs, S1946fs, S1908fs, S1911fs, S1918fs, S1954fs.
Identifiers: ClinVar variation 217997 (VCV000217997.21), dbSNP rs863225367, ClinGen allele CA279798.
Genomic context (GRCh38, chr5:112,841,397, plus strand): 5'-AAGCAGCCAATAAATCGAGGTCAGCCTAAACCCATACTTCAGAAACAATCCACTTTTCCC[C>CA]AGTCATCCAAAGACATACCAGACAGAGGGGCAGCAACTGATGAAAAGTTACAGAATTTTG-3'